The following is an entry in ClinVar:

NM_003630.3(PEX3):c.601T>A (p.Ser201Thr)

Gene: PEX3 (peroxisomal biogenesis factor 3; plus strand). Cytogenetic location: 6q24.2.
Variant type: single nucleotide variant.
Coding change: c.601T>A on transcript NM_003630.3 (MANE Select); coding-DNA position 601, T replaced by A.
Protein change: p.Ser201Thr; replaces serine 201 with threonine.
Molecular consequence: missense variant.
Genome position (GRCh38, 1-based): chr6:143,472,182, T>A. VCF-style: chr6-143472182-T-A. GRCh37 (hg19) VCF-style: chr6-143793319-T-A.
Other names: short protein forms S201T.
Identifiers: ClinVar variation 2415018 (VCV002415018.6), dbSNP rs1202360414, ClinGen allele CA365912086.
Genomic context (GRCh38, chr6:143,472,182, plus strand): 5'-GTTTCTATTTATCCCAATTCCCTTTTCTCTGTTTCTAGTGTTTCTCTTAAACATTCTTTG[T>A]CCCTTTTGGACTTGGAGCAAAAACTAAAAGAAATCAGAAATCTCGTTGAGCAGCATAAGT-3'
Protein context (NP_003621.1, residues 191-211): LGSVSLKHSL[Ser201Thr]LLDLEQKLKE

ClinVar aggregate classification (germline): Uncertain significance (1 of 4 stars; one submission).

Allele frequency attached by ClinVar (database versions not stated): gnomAD exomes below 0.00001; TOPMed below 0.00001; gnomAD 0.00001.

Submission:

Labcorp Genetics (formerly Invitae), Labcorp
Classification: Uncertain significance. Last evaluated: 2022-08-24. Review status: criteria provided, single submitter. Criteria: Invitae Variant Classification Sherloc (09022015). Collection method: clinical testing. Allele origin: germline.
Comment: This sequence change replaces serine, which is neutral and polar, with threonine, which is neutral and polar, at codon 201 of the PEX3 protein (p.Ser201Thr). This variant is present in population databases (no rsID available, gnomAD 0.0009%). This variant has not been reported in the literature in individuals affected with PEX3-related conditions. Algorithms developed to predict the effect of missense changes on protein structure and function are either unavailable or do not agree on the potential impact of this missense change (SIFT: "Deleterious"; PolyPhen-2: "Benign"; Align-GVGD: "Class C55"). In summary, the available evidence is currently insufficient to determine the role of this variant in disease. Therefore, it has been classified as a Variant of Uncertain Significance.